The following is an entry in ClinVar:

NM_003995.4(NPR2):c.664C>T (p.Arg222Cys)

Gene: NPR2 (natriuretic peptide receptor 2; plus strand). Cytogenetic location: 9p13.3.
Variant type: single nucleotide variant.
Coding change: c.664C>T on transcript NM_003995.4 (MANE Select); coding-DNA position 664, C replaced by T.
Protein change: p.Arg222Cys; replaces arginine 222 with cysteine.
Molecular consequence: missense variant.
Genome position (GRCh38, 1-based): chr9:35,793,072, C>T. VCF-style: chr9-35793072-C-T. GRCh37 (hg19) VCF-style: chr9-35793069-C-T.
Other names: c.664C>T, p.Arg222Cys (NM_001378923.1); short protein forms R222C.
Identifiers: ClinVar variation 2120266 (VCV002120266.4), dbSNP rs776260822, ClinGen allele CA5051482.

ClinVar aggregate classification (germline): Uncertain significance (1 of 4 stars; one submission).

Conditions:
Acromesomelic dysplasia 1, Maroteaux type (AMD1). Also called: ACROMESOMELIC DYSPLASIA 1; ST. HELENA DYSPLASIA. Identifiers: Orphanet 40, MedGen C1864356, MONDO:0011275, OMIM 602875.
Tall stature-scoliosis-macrodactyly of the great toes syndrome. Also called: Epiphyseal chondrodysplasia, miura type. Identifiers: Orphanet 329191, MedGen C4014690, MONDO:0014401, OMIM 615923.

Allele frequency attached by ClinVar (database versions not stated): ExAC 0.00001; gnomAD exomes 0.00001.
gnomAD v4.1: 9 of 1,592,458 alleles (0.00057%); highest among the groups gnomAD compares: East Asian, 0.0022%; no homozygotes.

Submission:

Labcorp Genetics (formerly Invitae), Labcorp
Classification: Uncertain significance for Tall stature-scoliosis-macrodactyly of the great toes syndrome; Acromesomelic dysplasia 1, Maroteaux type. Last evaluated: 2023-02-14. Review status: criteria provided, single submitter. Criteria: Invitae Variant Classification Sherloc (09022015). Collection method: clinical testing. Allele origin: germline.
Comment: This sequence change replaces arginine, which is basic and polar, with cysteine, which is neutral and slightly polar, at codon 222 of the NPR2 protein (p.Arg222Cys). The frequency data for this variant in the population databases is considered unreliable, as metrics indicate poor data quality at this position in the gnomAD database. This variant has not been reported in the literature in individuals affected with NPR2-related conditions. Advanced modeling of protein sequence and biophysical properties (such as structural, functional, and spatial information, amino acid conservation, physicochemical variation, residue mobility, and thermodynamic stability) performed at Invitae indicates that this missense variant is expected to disrupt NPR2 protein function. Algorithms developed to predict the effect of sequence changes on RNA splicing suggest that this variant may create or strengthen a splice site. In summary, the available evidence is currently insufficient to determine the role of this variant in disease. Therefore, it has been classified as a Variant of Uncertain Significance.